The following is an entry in ClinVar:

NM_015404.4(WHRN):c.2219C>T (p.Ala740Val)

Gene: WHRN (whirlin; minus strand). Cytogenetic location: 9q32.
Variant type: single nucleotide variant.
Coding change: c.2219C>T on transcript NM_015404.4 (MANE Select); coding-DNA position 2219, C replaced by T.
Protein change: p.Ala740Val; replaces alanine 740 with valine.
Molecular consequence: missense variant.
Genome position (GRCh38, 1-based): chr9:114,406,372, G>A on the plus strand (C>T on the coding strand, the complement: WHRN is on the minus strand). VCF-style: chr9-114406372-G-A. GRCh37 (hg19) VCF-style: chr9-117168652-G-A.
Other names: c.1070C>T, p.Ala357Val (NM_001083885.3); c.2219C>T, p.Ala740Val (NM_001173425.2); c.1166C>T, p.Ala389Val (NM_001346890.1); short protein forms A740V, A357V, A389V.
Identifiers: ClinVar variation 422236 (VCV000422236.6), dbSNP rs976736112, ClinGen allele CA16618728.

ClinVar aggregate classification (germline): Uncertain significance. Review status: criteria provided, multiple submitters, no conflicts (2 of 4 stars). 2 submissions from 2 submitters: Uncertain significance (2). Last evaluated 2022-10-05.

Allele frequency attached by ClinVar (database versions not stated): gnomAD 0.00001; TOPMed 0.00001.
gnomAD v4.1: 16 of 1,613,964 alleles (0.00099%); highest among the groups gnomAD compares: Admixed American, 0.0017%; no homozygotes.

Submissions (2):

Labcorp Genetics (formerly Invitae), Labcorp
Classification: Uncertain significance. Last evaluated: 2022-10-05. Review status: criteria provided, single submitter. Criteria: Invitae Variant Classification Sherloc (09022015). Collection method: clinical testing. Allele origin: germline.
Comment: In summary, the available evidence is currently insufficient to determine the role of this variant in disease. Therefore, it has been classified as a Variant of Uncertain Significance. Algorithms developed to predict the effect of missense changes on protein structure and function are either unavailable or do not agree on the potential impact of this missense change (SIFT: "Tolerated"; PolyPhen-2: "Possibly Damaging"; Align-GVGD: "Class C0"). ClinVar contains an entry for this variant (Variation ID: 422236). This variant has not been reported in the literature in individuals affected with WHRN-related conditions. This variant is present in population databases (no rsID available, gnomAD 0.003%). This sequence change replaces alanine, which is neutral and non-polar, with valine, which is neutral and non-polar, at codon 740 of the WHRN protein (p.Ala740Val).

GeneDx
Classification: Uncertain significance. Last evaluated: 2016-09-19. Review status: criteria provided, single submitter. Criteria: GeneDx Variant Classification (06012015). Collection method: clinical testing. Allele origin: germline. Affected: yes.
Comment: The A740V variant in the DFNB31 gene has not been reported previously as a pathogenic variant, nor as a benign variant, to our knowledge. The A740V variant was not observed in approximately 6500 individuals of European and African American ancestry in the NHLBI Exome Sequencing Project, indicating it is not a common benign variant in these populations. The A740V variant is a conservative amino acid substitution, which is not likely to impact secondary protein structure as these residues share similar properties. This substitution occurs at a position that is conserved in mammals. In silico analysis is inconsistent in its predictions as to whether or not the variant is damaging to the protein structure/function. We interpret A740V as a variant of uncertain significance.